The following is an entry in ClinVar:

NM_001358438.1(KLF18):c.1557A>G (p.Thr519=)

Gene: KLF18 (KLF transcription factor 18; minus strand). Cytogenetic location: 1p34.1.
Variant type: single nucleotide variant.
Coding change: c.1557A>G on transcript NM_001358438.1 (MANE Select); coding-DNA position 1557, A replaced by G.
Protein change: p.Thr519=; no amino-acid change (threonine 519 retained).
Molecular consequence: synonymous variant.
Genome position (GRCh38, 1-based): chr1:44,140,075, T>C on the plus strand (A>G on the coding strand, the complement: KLF18 is on the minus strand). VCF-style: chr1-44140075-T-C. GRCh37 (hg19) VCF-style: chr1-44605747-T-C.
Identifiers: ClinVar variation 3025770 (VCV003025770.22), dbSNP rs1212211687, ClinGen allele CA522688122.

ClinVar aggregate classification (germline): Likely benign (1 of 4 stars; one submission).

Allele frequency attached by ClinVar (database versions not stated): gnomAD 0.00050.

Submission:

CeGaT Center for Human Genetics Tuebingen
Classification: Likely benign. Last evaluated: 2024-02-01. Review status: criteria provided, single submitter. Criteria: CeGaT Center For Human Genetics Tuebingen Variant Classification Criteria Version 2. Collection method: clinical testing. Allele origin: germline. Affected: yes. Observed: 1 variant allele.
Comment: KLF18: BP4, BP7